The following is an entry in ClinVar:

ClinVar aggregate classification (germline): Uncertain significance (1 of 4 stars; one submission).

Submission:

Labcorp Genetics (formerly Invitae), Labcorp
Classification: Uncertain significance. Last evaluated: 2023-09-15. Review status: criteria provided, single submitter. Criteria: Invitae Variant Classification Sherloc (09022015). Collection method: clinical testing. Allele origin: germline.
Comment: ClinVar contains an entry for this variant (Variation ID: 1044802). In summary, the available evidence is currently insufficient to determine the role of this variant in disease. Therefore, it has been classified as a Variant of Uncertain Significance. An algorithm developed to predict the effect of missense changes on protein structure and function (PolyPhen-2) suggests that this variant is likely to be disruptive. This variant has not been reported in the literature in individuals affected with PLEKHM2-related conditions. This variant is not present in population databases (gnomAD no frequency). This sequence change replaces alanine, which is neutral and non-polar, with glycine, which is neutral and non-polar, at codon 213 of the PLEKHM2 protein (p.Ala213Gly).

NM_015164.4(PLEKHM2):c.638C>G (p.Ala213Gly)

Gene: PLEKHM2 (pleckstrin homology and RUN domain containing M2; plus strand). Cytogenetic location: 1p36.21.
Variant type: single nucleotide variant.
Coding change: c.638C>G on transcript NM_015164.4 (MANE Select); coding-DNA position 638, C replaced by G.
Protein change: p.Ala213Gly; replaces alanine 213 with glycine.
Molecular consequence: missense variant.
Genome position (GRCh38, 1-based): chr1:15,719,906, C>G. VCF-style: chr1-15719906-C-G. GRCh37 (hg19) VCF-style: chr1-16046401-C-G.
Other names: short protein forms A213G.
Identifiers: ClinVar variation 1044802 (VCV001044802.8), dbSNP rs2067967505, ClinGen allele CA338581177.